The following is an entry in ClinVar:

ClinVar aggregate classification (germline): Uncertain significance. Review status: criteria provided, multiple submitters, no conflicts (2 of 4 stars). 2 submissions from 2 submitters: Uncertain significance (2). Last evaluated 2026-01-25.

gnomAD v4.1: 12 of 1,613,804 alleles (0.00074%); highest among the groups gnomAD compares: South Asian, 0.0022%; no homozygotes.

Submissions (2):

Labcorp Genetics (formerly Invitae), Labcorp
Classification: Uncertain significance. Last evaluated: 2026-01-25. Review status: criteria provided, single submitter. Criteria: Invitae Variant Classification Sherloc (09022015). Collection method: clinical testing. Allele origin: germline.
Comment: This sequence change replaces arginine, which is basic and polar, with cysteine, which is neutral and slightly polar, at codon 1093 of the CACNA1D protein (p.Arg1093Cys). This variant is present in population databases (rs765175731, gnomAD 0.003%). This variant has not been reported in the literature in individuals affected with CACNA1D-related conditions. ClinVar contains an entry for this variant (Variation ID: 2974496). Invitae Evidence Modeling of protein sequence and biophysical properties (such as structural, functional, and spatial information, amino acid conservation, physicochemical variation, residue mobility, and thermodynamic stability) indicates that this missense variant is not expected to disrupt CACNA1D protein function with a negative predictive value of 80%. In summary, the available evidence is currently insufficient to determine the role of this variant in disease. Therefore, it has been classified as a Variant of Uncertain Significance.

Blueprint Genetics
Classification: Uncertain significance. Last evaluated: 2022-07-13. Review status: criteria provided, single submitter. Criteria: ACMG Guidelines, 2015. Collection method: clinical testing. Allele origin: germline.

NM_001128840.3(CACNA1D):c.3217C>T (p.Arg1073Cys)

Gene: CACNA1D (calcium voltage-gated channel subunit alpha1 D; plus strand). Cytogenetic location: 3p21.1.
Variant type: single nucleotide variant.
Coding change: c.3217C>T on transcript NM_001128840.3 (MANE Select); coding-DNA position 3217, C replaced by T.
Protein change: p.Arg1073Cys; replaces arginine 1073 with cysteine.
Molecular consequence: missense variant.
Genome position (GRCh38, 1-based): chr3:53,747,351, C>T. VCF-style: chr3-53747351-C-T. GRCh37 (hg19) VCF-style: chr3-53781378-C-T.
Other names: c.3277C>T, p.Arg1093Cys (NM_000720.4); c.3217C>T, p.Arg1073Cys (NM_001128839.3); short protein forms R1073C, R1093C.
Identifiers: ClinVar variation 2974496 (VCV002974496.4), dbSNP rs765175731, ClinGen allele CA2454497.